The following is an entry in ClinVar:

ClinVar aggregate classification (germline): Likely benign (1 of 4 stars; one submission).

Submission:

CeGaT Center for Human Genetics Tuebingen
Classification: Likely benign. Last evaluated: 2025-03-01. Review status: criteria provided, single submitter. Criteria: CeGaT Center For Human Genetics Tuebingen Variant Classification Criteria Version 2. Collection method: clinical testing. Allele origin: germline. Affected: yes. Observed: 1 variant allele.
Comment: GRIN2B: PM2:Supporting, BP4, BP7

NM_000834.5(GRIN2B):c.288G>A (p.Gly96=)

Gene: GRIN2B (glutamate ionotropic receptor NMDA type subunit 2B; minus strand). Cytogenetic location: 12p13.1.
Variant type: single nucleotide variant.
Coding change: c.288G>A on transcript NM_000834.5 (MANE Select); coding-DNA position 288, G replaced by A.
Protein change: p.Gly96=; no amino-acid change (glycine 96 retained).
Molecular consequence: synonymous variant.
Genome position (GRCh38, 1-based): chr12:13,865,921, C>T on the plus strand (G>A on the coding strand, the complement: GRIN2B is on the minus strand). VCF-style: chr12-13865921-C-T. GRCh37 (hg19) VCF-style: chr12-14018855-C-T.
Other names: c.288G>A, p.Gly96= (NM_001413992.1, NM_001413993.1, NM_001413994.1 and 1 more transcripts).
Identifiers: ClinVar variation 3778466 (VCV003778466.7).